The following is an entry in ClinVar:

NM_001081.4(CUBN):c.8958A>C (p.Arg2986Ser)

Gene: CUBN (cubilin; minus strand). Cytogenetic location: 10p13.
Variant type: single nucleotide variant.
Coding change: c.8958A>C on transcript NM_001081.4 (MANE Select); coding-DNA position 8958, A replaced by C.
Protein change: p.Arg2986Ser; replaces arginine 2986 with serine.
Molecular consequence: missense variant.
Genome position (GRCh38, 1-based): chr10:16,877,045, T>G on the plus strand (A>C on the coding strand, the complement: CUBN is on the minus strand). VCF-style: chr10-16877045-T-G. GRCh37 (hg19) VCF-style: chr10-16919044-T-G.
Other names: short protein forms R2986S.
Identifiers: ClinVar variation 2050015 (VCV002050015.1), dbSNP rs376034411, ClinGen allele CA203569178.

ClinVar aggregate classification (germline): Uncertain significance (1 of 4 stars; one submission).

Conditions:
Imerslund-Grasbeck syndrome. Also called: ENTEROCYTE COBALAMIN MALABSORPTION; ENTEROCYTE INTRINSIC FACTOR RECEPTOR, DEFECT OF; Megaloblastic anemia due to inborn errors of metabolism; Imerslund-Gräsbeck syndrome; PERNICIOUS ANEMIA, JUVENILE, DUE TO SELECTIVE INTESTINAL MALABSORPTION OF VITAMIN B12, WITH PROTEINURIA. Identifiers: Orphanet 35858, MedGen C4551825, MONDO:0009853.

Allele frequency attached by ClinVar (database versions not stated): gnomAD 0.00001; TOPMed 0.00002; gnomAD exomes 0.00004; ESP Exome Variant Server 0.00015.
gnomAD v4.1: 60 of 1,613,954 alleles (0.0037%); highest among the groups gnomAD compares: Non-Finnish European, 0.0049%; no homozygotes.

Submission:

Labcorp Genetics (formerly Invitae), Labcorp
Classification: Uncertain significance for Imerslund-Grasbeck syndrome. Last evaluated: 2022-01-02. Review status: criteria provided, single submitter. Criteria: Invitae Variant Classification Sherloc (09022015). Collection method: clinical testing. Allele origin: germline.
Comment: This sequence change replaces arginine, which is basic and polar, with serine, which is neutral and polar, at codon 2986 of the CUBN protein (p.Arg2986Ser). This variant is present in population databases (rs376034411, gnomAD 0.004%). This variant has not been reported in the literature in individuals affected with CUBN-related conditions. Algorithms developed to predict the effect of missense changes on protein structure and function (SIFT, PolyPhen-2, Align-GVGD) all suggest that this variant is likely to be tolerated. In summary, the available evidence is currently insufficient to determine the role of this variant in disease. Therefore, it has been classified as a Variant of Uncertain Significance.